The following is an entry in ClinVar:

ClinVar aggregate classification (germline): Likely pathogenic (1 of 4 stars; one submission).

Conditions:
Autosomal dominant nonsyndromic hearing loss 10. Identifiers: Orphanet 90635, MedGen C1832476, MONDO:0011031, OMIM 601316.

Submission:

Institute of Rare Diseases, West China Hospital, Sichuan University
Classification: Likely pathogenic for Autosomal dominant nonsyndromic hearing loss 10. Last evaluated: 2025-01-09. Review status: criteria provided, single submitter. Criteria: ClinGen HL ACMG Specifications v1. Collection method: research. Allele origin: germline. Affected: yes.
Comment: PVS1;PM2_Supporting

NM_004100.5(EYA4):c.1486A>T (p.Lys496Ter)

Genes: TARID (TCF21 antisense RNA inducing promoter demethylation; minus strand), EYA4 (EYA transcriptional coactivator and phosphatase 4; plus strand). Cytogenetic location: 6q23.2.
Variant type: single nucleotide variant.
Coding change: c.1486A>T on transcript NM_004100.5 (MANE Select); coding-DNA position 1486, A replaced by T.
Protein change: p.Lys496Ter; replaces lysine 496 with a stop codon.
Molecular consequence: nonsense.
Genome position (GRCh38, 1-based): chr6:133,513,023, A>T. VCF-style: chr6-133513023-A-T. GRCh37 (hg19) VCF-style: chr6-133834161-A-T.
Other names: c.1324A>T, p.Lys442Ter (NM_001301012.2); c.1504A>T, p.Lys502Ter (NM_001301013.2); c.1417A>T, p.Lys473Ter (NM_001370458.1, NM_172103.4); c.1342A>T, p.Lys448Ter (NM_001370459.1); c.1486A>T, p.Lys496Ter (NM_172105.4); short protein forms K442*, K448*, K473*, K496*, K502*.
Identifiers: ClinVar variation 3601119 (VCV003601119.1).